The following is an entry in ClinVar:

ClinVar aggregate classification (germline): Pathogenic/Likely pathogenic. Review status: criteria provided, multiple submitters, no conflicts (2 of 4 stars). 10 submissions from 8 submitters: Pathogenic (9); Likely pathogenic (1). Last evaluated 2025-10-16.

Conditions:
Retinal dystrophy. Also called: Inherited retinal dystrophy. Identifiers: Orphanet 71862, MedGen C0854723, MeSH D058499, MONDO:0019118, HP:0000556.
Leber congenital amaurosis (LCA). Also called: Leber's amaurosis. Identifiers: Orphanet 65, MedGen C0339527, MeSH D057130, MONDO:0018998.
CRB1-related disorder. Also called: CRB1-related condition; CRB1-related disorders.
Leber congenital amaurosis 8 (LCA8). Identifiers: Orphanet 65, MedGen C3151202, MONDO:0013453, OMIM 613835.
Retinitis pigmentosa 12 (RP12). Also called: RP WITH OR WITHOUT PPRPE; RP WITH OR WITHOUT PRESERVED PARAARTERIOLE RETINAL PIGMENT EPITHELIUM; RETINITIS PIGMENTOSA WITH OR WITHOUT PARAARTERIOLAR PRESERVATION OF RETINAL PIGMENT EPITHELIUM. Identifiers: Orphanet 791, MedGen C1838647, MONDO:0010818, OMIM 600105.
Pigmented paravenous retinochoroidal atrophy. Identifiers: Orphanet 251295, MedGen C1868310, MONDO:0008246, OMIM 172870.

Allele frequency attached by ClinVar (database versions not stated): gnomAD exomes below 0.00001 and 0.00002; ExAC 0.00004.

Submissions (10):

Natera, Inc.
Classification: Pathogenic for Leber congenital amaurosis. Last evaluated: 2025-10-16. Review status: criteria provided, single submitter. Criteria: Natera Variant Classification Schema (03/2026). Collection method: clinical testing. Allele origin: germline.
Comment: The c.1841G>T variant in CRB1 is a missense variant predicted to cause substitution of glycine to valine at amino acid 614. This variant is rare in the general population with a frequency below the threshold expected for the associated phenotype(s). This variant has been observed in one or more individuals affected with the associated recessive disease, as either homozygous or compound heterozygous with a second variant (PMID: 33342761). Computational prediction algorithms indicate this variant is likely to affect gene or protein function. Given the available evidence, this variant is classified as Pathogenic.

GeneDx
Classification: Likely pathogenic. Last evaluated: 2024-11-26. Review status: criteria provided, single submitter. Criteria: GeneDx Variant Classification Process June 2021. Collection method: clinical testing. Allele origin: germline. Affected: yes.
Comment: In silico analysis supports that this missense variant has a deleterious effect on protein structure/function; This variant is associated with the following publications: (PMID: 23661368, 32562694, 33342761, 38466290, 36115989, 25356976, 31054281, 29641573, 31964843, 38622537, 25377065, 27806333, 24535598)

Baylor Genetics
Classification: Pathogenic for Leber congenital amaurosis 8. Last evaluated: 2024-03-29. Review status: criteria provided, single submitter. Criteria: ACMG Guidelines, 2015. Collection method: clinical testing. Allele origin: unknown.

Labcorp Genetics (formerly Invitae), Labcorp
Classification: Pathogenic for Leber congenital amaurosis 8; Retinitis pigmentosa 12. Last evaluated: 2024-02-13. Review status: criteria provided, single submitter. Criteria: Invitae Variant Classification Sherloc (09022015). Collection method: clinical testing. Allele origin: germline.
Comment: This sequence change replaces glycine, which is neutral and non-polar, with valine, which is neutral and non-polar, at codon 614 of the CRB1 protein (p.Gly614Val). This variant is present in population databases (rs763111500, gnomAD 0.03%). This missense change has been observed in individual(s) with retinitis pigementosa or Leber congenital amaurosis (PMID: 23661368, 24535598, 27806333, 29641573). In at least one individual the data is consistent with being in trans (on the opposite chromosome) from a pathogenic variant. It has also been observed to segregate with disease in related individuals. ClinVar contains an entry for this variant (Variation ID: 933277). Advanced modeling of protein sequence and biophysical properties (such as structural, functional, and spatial information, amino acid conservation, physicochemical variation, residue mobility, and thermodynamic stability) performed at Invitae indicates that this missense variant is expected to disrupt CRB1 protein function with a positive predictive value of 95%. For these reasons, this variant has been classified as Pathogenic.

Women's Health and Genetics/Laboratory Corporation of America, LabCorp
Classification: Pathogenic for Retinal dystrophy. Last evaluated: 2023-04-26. Review status: criteria provided, single submitter. Criteria: LabCorp Variant Classification Summary - May 2015. Collection method: clinical testing. Allele origin: germline.
Comment: Variant summary: CRB1 c.1841G>T (p.Gly614Val) results in a non-conservative amino acid change altering a highly conserved residue located in the Laminin G domain (IPR001791) of the encoded protein sequence. Five of five in-silico tools predict a damaging effect of the variant on protein function. The variant allele was found at a frequency of 2e-05 in 251240 control chromosomes (gnomAD). c.1841G>T has been reported in the literature in multiple individuals affected with Retinal degeneration or retinitis pigmentosa with evidence of cosegregation with disease, and some were compound heterozygous with other pathogenic variants. These data indicate that the variant is very likely to be associated with disease. The following publications have been ascertained in the context of this evaluation (PMID: 33342761, 27806333, 25377065). Three submitters have provided clinical-significance assessments for this variant to ClinVar after 2014, and classified the variant as pathogenic. Based on the evidence outlined above, the variant was classified as pathogenic.

Genome-Nilou Lab
Classification: Pathogenic for Leber congenital amaurosis 8. Last evaluated: 2023-04-11. Review status: criteria provided, single submitter. Criteria: ACMG Guidelines, 2015. Collection method: clinical testing. Allele origin: germline. Affected: no.

Genome-Nilou Lab
Classification: Pathogenic for Pigmented paravenous retinochoroidal atrophy. Last evaluated: 2023-04-11. Review status: criteria provided, single submitter. Criteria: ACMG Guidelines, 2015. Collection method: clinical testing. Allele origin: germline. Affected: no.

Genome-Nilou Lab
Classification: Pathogenic for Retinitis pigmentosa 12. Last evaluated: 2023-04-11. Review status: criteria provided, single submitter. Criteria: ACMG Guidelines, 2015. Collection method: clinical testing. Allele origin: germline. Affected: no.

Blueprint Genetics
Classification: Pathogenic for CRB1-related disorders. Last evaluated: 2022-10-29. Review status: criteria provided, single submitter. Criteria: ACMG Guidelines, 2015. Collection method: clinical testing. Allele origin: germline. Affected: yes. Observed: 2 variant alleles.

3billion
Classification: Pathogenic for Leber congenital amaurosis 8. Last evaluated: 2022-05-22. Review status: criteria provided, single submitter. Criteria: ACMG Guidelines, 2015. Collection method: clinical testing. Allele origin: germline. Affected: yes. Observed: 1 heterozygote.
Comment: The variant is observed at an extremely low frequency in the gnomAD v2.1.1 dataset (total allele frequency: 0.002%). In silico tool predictions suggest damaging effect of the variant on gene or gene product (REVEL: 0.94; 3Cnet: 0.57). The variant has been reported to be in trans with a pathogenic variant as either compound heterozygous or homozygous in at least 2 similarly affected unrelated individuals (PMID: 23661368, 24535598). and also reported to co-segregate with the disease in at least one similarly affected relative/individual in the same family or similarly affected unrelated family (PMID:23661368). A different missense change at the same codon (p.Gly614Asp) has been reported to be associated with CRB1 related disorder (PMID: 30029497). Therefore, this variant is classified as pathogenic according to the recommendation of ACMG/AMP guideline.

Literature cited by the submitters: PubMed 33342761 (cited by Natera, Inc. and Women's Health and Genetics/Laboratory Corporation of America, LabCorp); PubMed 23661368 (cited by Labcorp Genetics (formerly Invitae), Labcorp and 3billion); PubMed 24535598 (cited by Labcorp Genetics (formerly Invitae), Labcorp and 3billion); PubMed 27806333 (cited by Labcorp Genetics (formerly Invitae), Labcorp and Women's Health and Genetics/Laboratory Corporation of America, LabCorp); PubMed 29641573 (cited by Labcorp Genetics (formerly Invitae), Labcorp); PubMed 25377065 (cited by Women's Health and Genetics/Laboratory Corporation of America, LabCorp); PubMed 30029497 (cited by 3billion).

NM_201253.3(CRB1):c.1841G>T (p.Gly614Val)

Gene: CRB1 (crumbs cell polarity complex component 1; plus strand). Cytogenetic location: 1q31.3.
Variant type: single nucleotide variant.
Coding change: c.1841G>T on transcript NM_201253.3 (MANE Select); coding-DNA position 1841, G replaced by T.
Protein change: p.Gly614Val; replaces glycine 614 with valine.
Molecular consequence: missense variant. On other transcripts: non-coding transcript variant (1).
Genome position (GRCh38, 1-based): chr1:197,421,669, G>T. VCF-style: chr1-197421669-G-T. GRCh37 (hg19) VCF-style: chr1-197390799-G-T.
Other names: c.1505G>T, p.Gly502Val (NM_001193640.2); c.1634G>T, p.Gly545Val (NM_001257965.2); c.1841G>T, p.Gly614Val (NM_001257966.2); short protein forms G502V, G545V, G614V.
Identifiers: ClinVar variation 933277 (VCV000933277.18), dbSNP rs763111500, ClinGen allele CA1311993.